The following is an entry in ClinVar:

NM_000535.7(PMS2):c.229G>A (p.Glu77Lys)

Gene: PMS2 (PMS1 homolog 2, mismatch repair system component; minus strand). Cytogenetic location: 7p22.1.
Variant type: single nucleotide variant.
Coding change: c.229G>A on transcript NM_000535.7 (MANE Select); coding-DNA position 229, G replaced by A.
Protein change: p.Glu77Lys; replaces glutamic acid 77 with lysine.
Molecular consequence: missense variant. On other transcripts: 5 prime UTR variant (9), non-coding transcript variant (1).
Genome position (GRCh38, 1-based): chr7:6,003,993, C>T on the plus strand (G>A on the coding strand, the complement: PMS2 is on the minus strand). VCF-style: chr7-6003993-C-T. GRCh37 (hg19) VCF-style: chr7-6043624-C-T.
Other names: c.-177G>A (NM_001322003.2, NM_001322004.2, NM_001322005.2 and 3 more transcripts); c.229G>A, p.Glu77Lys (NM_001322006.2, NM_001322014.2); c.14G>A, p.Arg5Lys (NM_001322007.2, NM_001322008.2); c.-656G>A (NM_001322011.2, NM_001322012.2); c.-256G>A (NM_001322015.2); c.229G>A (NM_000535.6); short protein forms E77K, R5K.
Identifiers: ClinVar variation 230591 (VCV000230591.29), dbSNP rs751235177, ClinGen allele CA047448.

ClinVar aggregate classification (germline): Uncertain significance. Review status: criteria provided, multiple submitters, no conflicts (2 of 4 stars). 11 submissions from 11 submitters: Uncertain significance (10). 1 of the submissions does not count toward it. Last evaluated 2025-05-17.

Conditions:
Hereditary cancer-predisposing syndrome. Also called: Neoplastic Syndromes, Hereditary; Tumor predisposition; Hereditary Cancer Syndrome; Hereditary neoplastic syndrome. Identifiers: Orphanet 140162, MedGen C0027672, MeSH D009386, MONDO:0015356.
Lynch syndrome. Identifiers: Orphanet 144, MedGen C4552100, MONDO:0005835. Disease mechanism: loss of function.
Hereditary nonpolyposis colorectal neoplasms. Identifiers: MedGen C0009405, MeSH D003123.
Lynch syndrome 4 (LYNCH4). Also called: Colorectal cancer, hereditary nonpolyposis, type 4; Hereditary non-polyposis colorectal cancer, type 4. Identifiers: Orphanet 144, MedGen C1838333, MONDO:0013699, OMIM 614337. Disease mechanism: loss of function.

Allele frequency attached by ClinVar (database versions not stated): gnomAD exomes below 0.00001 and 0.00001; ExAC 0.00001; gnomAD 0.00001; TOPMed 0.00001.

Submissions (11):

Ambry Genetics
Classification: Uncertain significance for Hereditary cancer-predisposing syndrome. Last evaluated: 2025-05-17. Review status: criteria provided, single submitter. Criteria: Ambry Variant Classification Scheme 2023. Collection method: clinical testing. Allele origin: germline.
Comment: The p.E77K variant (also known as c.229G>A), located in coding exon 3 of the PMS2 gene, results from a G to A substitution at nucleotide position 229. The glutamic acid at codon 77 is replaced by lysine, an amino acid with similar properties. This amino acid position is well conserved in available vertebrate species; however, lysine is the reference amino acid in other vertebrate species. In addition, the in silico prediction for this alteration is inconclusive. Since supporting evidence is limited at this time, the clinical significance of this alteration remains unclear.

Center for Genomic Medicine, Rigshospitalet, Copenhagen University Hospital
Classification: Uncertain significance. Last evaluated: 2025-03-04. Review status: criteria provided, single submitter. Criteria: ACMG Guidelines, 2015. Collection method: clinical testing. Allele origin: germline.

Quest Diagnostics Nichols Institute San Juan Capistrano
Classification: Uncertain significance. Last evaluated: 2025-03-03. Review status: criteria provided, single submitter. Criteria: Quest Diagnostics criteria. Collection method: clinical testing. Allele origin: unknown.
Comment: The PMS2 c.229G>A (p.Glu77Lys) variant has been identified in the published literature in individuals with breast cancer as well as reportedly healthy individuals (PMID: 33471991 (2021), see also LOVD). The frequency of this variant in the general population (Genome Aggregation Database) is uninformative in the assessment of its pathogenicity. Analysis of this variant using bioinformatics tools for the prediction of the effect of amino acid changes on protein structure and function yielded predictions that this variant is benign. Based on the available information, we are unable to determine the clinical significance of this variant.

Labcorp Genetics (formerly Invitae), Labcorp
Classification: Uncertain significance for Hereditary nonpolyposis colorectal neoplasms. Last evaluated: 2024-11-26. Review status: criteria provided, single submitter. Criteria: Invitae Variant Classification Sherloc (09022015). Collection method: clinical testing. Allele origin: germline.
Comment: This sequence change replaces glutamic acid, which is acidic and polar, with lysine, which is basic and polar, at codon 77 of the PMS2 protein (p.Glu77Lys). This variant is present in population databases (rs751235177, gnomAD 0.0009%). This variant has not been reported in the literature in individuals affected with PMS2-related conditions. ClinVar contains an entry for this variant (Variation ID: 230591). Invitae Evidence Modeling incorporating data from in vitro experimental studies (internal data) indicates that this missense variant is not expected to disrupt PMS2 function with a negative predictive value of 95%. In summary, the available evidence is currently insufficient to determine the role of this variant in disease. Therefore, it has been classified as a Variant of Uncertain Significance.

Molecular Pathology, Peter Maccallum Cancer Centre
Classification: Uncertain significance for Lynch syndrome 4. Last evaluated: 2024-09-17. Review status: criteria provided, single submitter. Criteria: ACMG Guidelines, 2015. Collection method: clinical testing. Allele origin: germline. Inheritance: Autosomal dominant inheritance.

Color Diagnostics, LLC DBA Color Health
Classification: Uncertain significance for Hereditary cancer-predisposing syndrome. Last evaluated: 2024-06-24. Review status: criteria provided, single submitter. Criteria: ACMG Guidelines, 2015. Collection method: clinical testing. Allele origin: germline.
Comment: This missense variant replaces glutamic acid with lysine at codon 77 of the PMS2 protein. Computational prediction is inconclusive regarding the impact of this variant on protein structure and function (internally defined REVEL score threshold 0.5 < inconclusive < 0.7, PMID: 27666373). To our knowledge, functional studies have not been reported for this variant. In a large breast cancer case-control study, this variant has been reported in 5/60466 cases and 2/53461 unaffected controls (PMID: 33471991). This variant has been identified in 1/250862 chromosomes in the general population by the Genome Aggregation Database (gnomAD). The available evidence is insufficient to determine the role of this variant in disease conclusively. Therefore, this variant is classified as a Variant of Uncertain Significance.

All of Us Research Program, National Institutes of Health
Classification: Uncertain significance for Lynch syndrome. Last evaluated: 2024-03-24. Review status: criteria provided, single submitter. Criteria: ACMG Guidelines, 2015. Collection method: clinical testing. Allele origin: germline. Inheritance: Autosomal dominant inheritance. Observed: 5 variant alleles, 5 heterozygotes.
Comment: This missense variant replaces glutamic acid with lysine at codon 77 of the PMS2 protein. Computational prediction is inconclusive regarding the impact of this variant on protein structure and function (internally defined REVEL score threshold 0.5 < inconclusive < 0.7, PMID: 27666373). To our knowledge, functional studies have not been reported for this variant. In a large breast cancer case-control study, this variant has been reported in 5/60466 cases and 2/53461 unaffected controls (PMID: 33471991). This variant has been identified in 1/250862 chromosomes in the general population by the Genome Aggregation Database (gnomAD). The available evidence is insufficient to determine the role of this variant in disease conclusively. Therefore, this variant is classified as a Variant of Uncertain Significance.

This study involves interpretation of variants in research participants for the purpose of population health screening. Participant phenotype was not available at the time of variant classification. Additional details can be found in publication PMID: 35346344, PMCID: PMC8962531

GeneDx
Classification: Uncertain significance. Last evaluated: 2023-12-12. Review status: criteria provided, single submitter. Criteria: GeneDx Variant Classification Process June 2021. Collection method: clinical testing. Allele origin: germline. Affected: yes.
Comment: Not observed at significant frequency in large population cohorts (gnomAD); In silico analysis supports that this missense variant has a deleterious effect on protein structure/function; Observed in both cases and controls in a breast cancer study (PMID: 33471991); This variant is associated with the following publications: (PMID: 33471991, 11574484)

Myriad Genetics, Inc.
Classification: Uncertain significance for Lynch syndrome 4. Last evaluated: 2023-04-04. Review status: criteria provided, single submitter. Criteria: Myriad Autosomal Dominant, Autosomal Recessive and X-Linked Classification Criteria (2023). Collection method: clinical testing. Allele origin: unknown.
Comment: This variant is classified as a variant of uncertain significance as there is insufficient evidence to determine its impact on protein function and/or cancer risk.

Sema4
Classification: Uncertain significance for Hereditary cancer-predisposing syndrome. Last evaluated: 2021-11-15. Review status: criteria provided, single submitter. Criteria: Sema4 Curation Guidelines. Collection method: curation. Allele origin: germline.
Comment: The PMS2 c.229G>A (p.E77K) variant been reported in heterozygosity in at least five individuals with breast cancer as well as unaffected controls (PMID: 33471991). This variant was observed in 1/113310 chromosomes in the Non-Finnish European subpopulation in the large and broad cohorts of the Genome Aggregation Database (PMID: 32461654). The variant has been reported in ClinVar (Variation ID 230591). Functional studies have not been performed, and in silico predictions of the variant's effect on protein function are inconclusive. The evidence is insufficient to meet ACMG/AMP criteria for classifying the variant as benign or pathogenic. Thus, the clinical significance of this variant is currently uncertain.

Counsyl
Classification: Uncertain significance for Lynch syndrome 4. Last evaluated: 2017-12-05. Review status: no assertion criteria provided. Collection method: clinical testing. Allele origin: unknown. Not counted in ClinVar's aggregate classification.

Literature cited by the submitters: PubMed 33471991 (cited by 4 submitters).